The following is an entry in ClinVar:

NM_003047.5(SLC9A1):c.630C>T (p.Ala210=)

Gene: SLC9A1 (solute carrier family 9 member A1; minus strand). Cytogenetic location: 1p36.11.
Variant type: single nucleotide variant.
Coding change: c.630C>T on transcript NM_003047.5 (MANE Select); coding-DNA position 630, C replaced by T.
Protein change: p.Ala210=; no amino-acid change (alanine 210 retained).
Molecular consequence: synonymous variant.
Genome position (GRCh38, 1-based): chr1:27,114,009, G>A on the plus strand (C>T on the coding strand, the complement: SLC9A1 is on the minus strand). VCF-style: chr1-27114009-G-A. GRCh37 (hg19) VCF-style: chr1-27440500-G-A.
Identifiers: ClinVar variation 793654 (VCV000793654.17), dbSNP rs558748349, ClinGen allele CA711298.

ClinVar aggregate classification (germline): Benign/Likely benign. Review status: criteria provided, multiple submitters, no conflicts (2 of 4 stars). 4 submissions from 4 submitters: Benign (1); Likely benign (2). 1 of the submissions does not count toward it. Last evaluated 2026-04-01.

Conditions:
SLC9A1-related disorder. Also called: SLC9A1-related condition.

Allele frequency attached by ClinVar (database versions not stated): gnomAD 0.00002 and 0.00016; TOPMed 0.00004; gnomAD exomes 0.00031 and 0.00066; 1000 Genomes Project 0.00040; 1000 Genomes Project 30x 0.00062; ExAC 0.00080.
gnomAD v4.1: 470 of 1,614,168 alleles (0.029%); highest among the groups gnomAD compares: South Asian, 0.47%; 10 homozygotes.

Submissions (4):

CeGaT Center for Human Genetics Tuebingen
Classification: Likely benign. Last evaluated: 2026-04-01. Review status: criteria provided, single submitter. Criteria: CeGaT Center For Human Genetics Tuebingen Variant Classification Criteria Version 2. Collection method: clinical testing. Allele origin: germline. Affected: yes. Observed: 2 variant alleles.
Comment: SLC9A1: BP4, BP7

Labcorp Genetics (formerly Invitae), Labcorp
Classification: Benign. Last evaluated: 2026-01-01. Review status: criteria provided, single submitter. Criteria: Invitae Variant Classification Sherloc (09022015). Collection method: clinical testing. Allele origin: germline.

Blueprint Genetics
Classification: Likely benign. Last evaluated: 2024-04-18. Review status: criteria provided, single submitter. Criteria: ACMG Guidelines, 2015. Collection method: clinical testing. Allele origin: germline.

PreventionGenetics, part of Exact Sciences
Classification: Likely benign for SLC9A1-related condition. Last evaluated: 2024-08-21. Review status: no assertion criteria provided. Collection method: clinical testing. Allele origin: germline. Not counted in ClinVar's aggregate classification.
Comment: This variant is classified as likely benign based on ACMG/AMP sequence variant interpretation guidelines (Richards et al. 2015 PMID: 25741868, with internal and published modifications).